The following is an entry in ClinVar:

NM_001378609.3(OTOGL):c.208A>G (p.Ile70Val)

Gene: OTOGL (otogelin like; plus strand). Cytogenetic location: 12q21.31.
Variant type: single nucleotide variant.
Coding change: c.208A>G on transcript NM_001378609.3 (MANE Select); coding-DNA position 208, A replaced by G.
Protein change: p.Ile70Val; replaces isoleucine 70 with valine.
Molecular consequence: missense variant.
Genome position (GRCh38, 1-based): chr12:80,217,637, A>G. VCF-style: chr12-80217637-A-G. GRCh37 (hg19) VCF-style: chr12-80611417-A-G.
Other names: c.208A>G, p.Ile70Val (NM_001368062.3, NM_001378610.3, NM_173591.7); short protein forms I70V.
Identifiers: ClinVar variation 4536280 (VCV004536280.3).

ClinVar aggregate classification (germline): Uncertain significance. Review status: criteria provided, multiple submitters, no conflicts (2 of 4 stars). 3 submissions from 3 submitters: Uncertain significance (3). Last evaluated 2025-11-24.

Conditions:
Inborn genetic diseases. Identifiers: MedGen C0950123, MeSH D030342.
OTOGL-related disorder. Also called: OTOGL-related condition.

Submissions (3):

Ambry Genetics
Classification: Uncertain significance for Inborn genetic diseases. Last evaluated: 2025-11-24. Review status: criteria provided, single submitter. Criteria: Ambry Variant Classification Scheme 2023. Collection method: clinical testing. Allele origin: germline.

PreventionGenetics, part of Exact Sciences
Classification: Uncertain significance for OTOGL-related condition. Last evaluated: 2025-08-12. Review status: criteria provided, single submitter. Criteria: ACMG Guidelines, 2015. Collection method: clinical testing. Allele origin: germline.
Comment: The OTOGL c.181A>G variant is predicted to result in the amino acid substitution p.Ile61Val. To our knowledge, this variant has not been reported in the literature. This variant is reported in 0.0033% of alleles in individuals of Latino descent in gnomAD. At this time, the clinical significance of this variant is uncertain due to the absence of conclusive functional and genetic evidence.

GeneDx
Classification: Uncertain significance. Last evaluated: 2025-06-06. Review status: criteria provided, single submitter. Criteria: GeneDx Variant Classification Process June 2021. Collection method: clinical testing. Allele origin: germline. Affected: yes.
Comment: In silico analysis suggests that this missense variant does not alter protein structure/function; Has not been previously published as pathogenic or benign to our knowledge